The following is an entry in ClinVar:

NM_000520.6(HEXA):c.1258del (p.Trp420fs)

Gene: HEXA (hexosaminidase subunit alpha; minus strand). Cytogenetic location: 15q23.
Variant type: Deletion.
Coding change: c.1258del on transcript NM_000520.6 (MANE Select); coding-DNA position 1258, one base deleted (T; older notation c.1258delT).
Protein change: p.Trp420fs; shifts the reading frame from tryptophan 420.
Molecular consequence: frameshift variant.
Genome position (GRCh38, 1-based): chr15:72,346,599, A deleted on the plus strand (T on the coding strand, the reverse complement: HEXA is on the minus strand). VCF-style (leftmost placement, unchanged base first): chr15-72346598-CA-C. GRCh37 (hg19) VCF-style: chr15-72638939-CA-C.
Other names: c.1291del, p.Trp431fs (NM_001318825.2); c.1258delT (NM_000520.5); short protein forms W420fs, W431fs.
Identifiers: ClinVar variation 1075193 (VCV001075193.11), dbSNP rs1216659000, ClinGen allele CA618961247.

ClinVar aggregate classification (germline): Pathogenic/Likely pathogenic. Review status: criteria provided, multiple submitters, no conflicts (2 of 4 stars). 3 submissions from 3 submitters: Pathogenic (2); Likely pathogenic (1). Last evaluated 2025-04-20.

Conditions:
Tay-Sachs disease (TSD). Also called: HEXA DEFICIENCY; HEXA Disorders; GM2 gangliosidosis, type 1; Hexosaminidase alpha-subunit deficiency (variant B); Sphingolipidosis, Tay-Sachs; Hexosaminidase A Deficiency. Identifiers: Orphanet 845, MedGen C0039373, MONDO:0010100, OMIM 272800.

Allele frequency attached by ClinVar (database versions not stated): gnomAD exomes below 0.00001.

Submissions (3):

Natera, Inc.
Classification: Likely pathogenic for Tay-Sachs disease. Last evaluated: 2025-04-20. Review status: criteria provided, single submitter. Criteria: Natera Variant Classification Schema (03/2026). Collection method: clinical testing. Allele origin: germline.
Comment: The c.1258delT variant in HEXA is a frameshift variant predicted to shift the reading frame beginning at codon 420 and leads to a stop codon 3 codons downstream. This variant is expected to result in nonsense mediated decay, truncation, or a dysfunctional protein product. This variant is rare in the general population with a frequency below the threshold expected for the associated phenotype(s). Given the available evidence, this variant is classified as Likely Pathogenic.

3billion
Classification: Pathogenic for Tay-Sachs disease. Last evaluated: 2022-09-01. Review status: criteria provided, single submitter. Criteria: ACMG Guidelines, 2015. Collection method: clinical testing. Allele origin: germline. Affected: yes. Observed: 1 heterozygote.
Comment: The variant is observed at an extremely low frequency in the gnomAD v2.1.1 dataset (total allele frequency: <0.001%). Frameshift variant is predicted to result in a loss or disruption of normal protein function through nonsense-mediated decay (NMD) or protein truncation. Multiple pathogenic variants are reported downstream of the variant. The variant has been reported to be associated with HEXA-related disorder (ClinVar ID: VCV001075193). Therefore, this variant is classified as Pathogenic according to the recommendation of ACMG/AMP guideline.

Labcorp Genetics (formerly Invitae), Labcorp
Classification: Pathogenic for Tay-Sachs disease. Last evaluated: 2020-09-15. Review status: criteria provided, single submitter. Criteria: Invitae Variant Classification Sherloc (09022015). Collection method: clinical testing. Allele origin: germline.
Comment: For these reasons, this variant has been classified as Pathogenic. Loss-of-function variants in HEXA are known to be pathogenic (PMID: 1833974, 8490625). This variant has been observed in individual(s) with hexosaminidase A deficiency (PMID: 12180151). This variant is not present in population databases (ExAC no frequency). This sequence change creates a premature translational stop signal (p.Trp420Glyfs*3) in the HEXA gene. It is expected to result in an absent or disrupted protein product.

Literature cited by the submitters: PubMed 1833974 (cited by Labcorp Genetics (formerly Invitae), Labcorp); PubMed 8490625 (cited by Labcorp Genetics (formerly Invitae), Labcorp); PubMed 12180151 (cited by Labcorp Genetics (formerly Invitae), Labcorp).